The following is an entry in ClinVar:

NM_001374385.1(ATP8B1):c.2931+59T>A

Genes: ATP8B1 (ATPase phospholipid transporting 8B1; minus strand), ATP8B1-AS1 (ATP8B1 antisense RNA 1; plus strand). Cytogenetic location: 18q21.31.
Variant type: single nucleotide variant.
Coding change: c.2931+59T>A on transcript NM_001374385.1 (MANE Select); 59 bases into the intron after coding-DNA position 2931, T replaced by A.
Molecular consequence: intron variant.
Genome position (GRCh38, 1-based): chr18:57,655,135, A>T on the plus strand (T>A on the coding strand, the complement: ATP8B1 is on the minus strand). VCF-style: chr18-57655135-A-T. GRCh37 (hg19) VCF-style: chr18-55322367-A-T.
Other names: c.2931+59T>A (NM_005603.6); c.2781+59T>A (NM_001374386.1).
Identifiers: ClinVar variation 1259110 (VCV001259110.4), dbSNP rs17753176, ClinGen allele CA16559020.

ClinVar aggregate classification (germline): Benign. Review status: criteria provided, multiple submitters, no conflicts (2 of 4 stars). 3 submissions from 3 submitters: Benign (3). Last evaluated 2026-04-14.

Conditions:
Familial intrahepatic cholestasis. Identifiers: Orphanet 284385, MedGen CN296401, MONDO:0017290.

Allele frequency attached by ClinVar (database versions not stated): 1000 Genomes Project 0.15555; 1000 Genomes Project 30x 0.15849; TOPMed 0.19794; gnomAD 0.21176 and 0.21287; gnomAD exomes 0.25455.
gnomAD v4.1: 367,385 of 1,473,276 alleles (25%); highest among the groups gnomAD compares: Non-Finnish European, 27%; 48,568 homozygotes.

Submissions (3):

Genomenon, Inc
Classification: Benign for Familial intrahepatic cholestasis. Last evaluated: 2026-04-14. Review status: criteria provided, single submitter. Criteria: Genomenon Sequence Variant Interpretation Standards - Updated. Collection method: curation. Allele origin: germline. Affected: no.
Comment: ATP8B1 c.2931+59T>A is an intronic variant located in intron 23. This variant is present at high allele frequency in population databases. In conclusion, we classify ATP8B1 c.2931+59T>A as a benign variant.

GeneDx
Classification: Benign. Last evaluated: 2018-06-29. Review status: criteria provided, single submitter. Criteria: GeneDx Variant Classification Process June 2021. Collection method: clinical testing. Allele origin: germline. Affected: yes.

Breakthrough Genomics
Classification: Benign. Review status: criteria provided, single submitter. Criteria: ACMG Guidelines, 2015. Collection method: not provided. Allele origin: germline. Inheritance: Autosomal recessive inheritance. Affected: yes.